The following is an entry in ClinVar:

ClinVar aggregate classification (germline): Uncertain significance. Review status: criteria provided, multiple submitters, no conflicts (2 of 4 stars). 3 submissions from 3 submitters: Uncertain significance (3). Last evaluated 2025-08-25.

Conditions:
Desmin-related myofibrillar myopathy (MFM1). Also called: Desminopathy; MYOFIBRILLAR MYOPATHY WITH ARRHYTHMOGENIC RIGHT VENTRICULAR CARDIOMYOPATHY; DESMIN-RELATED MYOPATHY WITH ARRHYTHMOGENIC RIGHT VENTRICULAR CARDIOMYOPATHY; Myofibrillar myopathy 1; Desmin related myopathy (former name); Desmin storage myopathy (former name). Identifiers: Orphanet 363543, Orphanet 98909, MedGen C1832370, MONDO:0011076, OMIM 601419.
Cardiovascular phenotype. Identifiers: MedGen CN230736.

Allele frequency attached by ClinVar (database versions not stated): gnomAD 0.00001.
gnomAD v4.1: 3 of 1,613,878 alleles (0.00019%); highest among the groups gnomAD compares: Non-Finnish European, 0.00025%; no homozygotes.

Submissions (3):

Labcorp Genetics (formerly Invitae), Labcorp
Classification: Uncertain significance for Desmin-related myofibrillar myopathy. Last evaluated: 2025-08-25. Review status: criteria provided, single submitter. Criteria: Invitae Variant Classification Sherloc (09022015). Collection method: clinical testing. Allele origin: germline.
Comment: This sequence change replaces glutamic acid, which is acidic and polar, with aspartic acid, which is acidic and polar, at codon 468 of the DES protein (p.Glu468Asp). This variant is present in population databases (no rsID available, gnomAD 0.0009%). This variant has not been reported in the literature in individuals affected with DES-related conditions. ClinVar contains an entry for this variant (Variation ID: 191617). Invitae Evidence Modeling of protein sequence and biophysical properties (such as structural, functional, and spatial information, amino acid conservation, physicochemical variation, residue mobility, and thermodynamic stability) indicates that this missense variant is not expected to disrupt DES protein function with a negative predictive value of 80%. In summary, the available evidence is currently insufficient to determine the role of this variant in disease. Therefore, it has been classified as a Variant of Uncertain Significance.

Ambry Genetics
Classification: Uncertain significance for Cardiovascular phenotype. Last evaluated: 2020-07-28. Review status: criteria provided, single submitter. Criteria: Ambry Variant Classification Scheme 2023. Collection method: clinical testing. Allele origin: germline.
Comment: The p.E468D variant (also known as c.1404A>C), located in coding exon 9 of the DES gene, results from an A to C substitution at nucleotide position 1404. The glutamic acid at codon 468 is replaced by aspartic acid, an amino acid with highly similar properties. This alteration has been reported as a secondary cardiac variant in an exome cohort (Ng D et al. Circ Cardiovasc Genet, 2013 Aug;6:337-46). This amino acid position is well conserved in available vertebrate species; however, aspartic acid is the reference amino acid in other vertebrate species. In addition, this alteration is predicted to be tolerated by in silico analysis. Since supporting evidence is limited at this time, the clinical significance of this alteration remains unclear.

Biesecker Lab/Clinical Genomics Section, National Institutes of Health
Classification: Uncertain significance. Last evaluated: 2013-06-24. Review status: criteria provided, single submitter. Criteria: Ng et al. (Circ Cardiovasc Genet. 2013). Collection method: research. Allele origin: unknown. Observed: 1 variant allele. Study: ClinSeq.
Comment: The study set was not selected for affection status in relation to any cancer. Pathogenicity categories were based on literature curation. See Pubmed ID:23861362 for details.

Medical sequencing

Literature cited by the submitters: PubMed 23861362 (cited by Ambry Genetics).

NM_001927.4(DES):c.1404A>C (p.Glu468Asp)

Gene: DES (desmin; plus strand). Cytogenetic location: 2q35.
Variant type: single nucleotide variant.
Coding change: c.1404A>C on transcript NM_001927.4 (MANE Select); coding-DNA position 1404, A replaced by C.
Protein change: p.Glu468Asp; replaces glutamic acid 468 with aspartic acid.
Molecular consequence: missense variant.
Genome position (GRCh38, 1-based): chr2:219,425,981, A>C. VCF-style: chr2-219425981-A-C. GRCh37 (hg19) VCF-style: chr2-220290703-A-C.
Other names: c.1404A>C (LRG_380t1); short protein forms E468D.
Identifiers: ClinVar variation 191617 (VCV000191617.10), dbSNP rs397516691, ClinGen allele CA237073.